The following is an entry in ClinVar:

ClinVar aggregate classification (germline): Uncertain significance (1 of 4 stars; one submission).

Allele frequency attached by ClinVar (database versions not stated): gnomAD 0.00001; gnomAD exomes below 0.00001; TOPMed 0.00001.
gnomAD v4.1: 4 of 1,613,910 alleles (0.00025%); highest among the groups gnomAD compares: Non-Finnish European, 0.00034%; no homozygotes.

Submission:

Labcorp Genetics (formerly Invitae), Labcorp
Classification: Uncertain significance. Last evaluated: 2025-04-16. Review status: criteria provided, single submitter. Criteria: Invitae Variant Classification Sherloc (09022015). Collection method: clinical testing. Allele origin: germline.
Comment: This sequence change replaces glutamic acid, which is acidic and polar, with lysine, which is basic and polar, at codon 1708 of the VCAN protein (p.Glu1708Lys). This variant is present in population databases (no rsID available, gnomAD 0.002%). This variant has not been reported in the literature in individuals affected with VCAN-related conditions. ClinVar contains an entry for this variant (Variation ID: 1412042). An algorithm developed to predict the effect of missense changes on protein structure and function outputs the following: PolyPhen-2: "Benign". The lysine amino acid residue is found in multiple mammalian species, which suggests that this missense change does not adversely affect protein function. In summary, the available evidence is currently insufficient to determine the role of this variant in disease. Therefore, it has been classified as a Variant of Uncertain Significance.

NM_004385.5(VCAN):c.5122G>A (p.Glu1708Lys)

Genes: VCAN-AS1 (VCAN antisense RNA 1; minus strand), VCAN (versican; plus strand). Cytogenetic location: 5q14.3.
Variant type: single nucleotide variant.
Coding change: c.5122G>A on transcript NM_004385.5 (MANE Select); coding-DNA position 5122, G replaced by A.
Protein change: p.Glu1708Lys; replaces glutamic acid 1708 with lysine.
Molecular consequence: missense variant. On other transcripts: intron variant (2).
Genome position (GRCh38, 1-based): chr5:83,538,125, G>A. VCF-style: chr5-83538125-G-A. GRCh37 (hg19) VCF-style: chr5-82833944-G-A.
Other names: c.2161G>A, p.Glu721Lys (NM_001164097.2); c.4004-7412G>A (NM_001164098.2); c.1043-7412G>A (NM_001126336.3); short protein forms E1708K, E721K.
Identifiers: ClinVar variation 1412042 (VCV001412042.6), dbSNP rs1422673749, ClinGen allele CA360309720.